The following is an entry in ClinVar:

NM_001614.5(ACTG1):c.385A>G (p.Thr129Ala)

Gene: ACTG1 (actin gamma 1; minus strand). Cytogenetic location: 17q25.3.
Variant type: single nucleotide variant.
Coding change: c.385A>G on transcript NM_001614.5 (MANE Select); coding-DNA position 385, A replaced by G.
Protein change: p.Thr129Ala; replaces threonine 129 with alanine.
Molecular consequence: missense variant. On other transcripts: non-coding transcript variant (1).
Genome position (GRCh38, 1-based): chr17:81,511,605, T>C on the plus strand (A>G on the coding strand, the complement: ACTG1 is on the minus strand). VCF-style: chr17-81511605-T-C. GRCh37 (hg19) VCF-style: chr17-79478631-T-C.
Other names: c.385A>G, p.Thr129Ala (NM_001199954.3); short protein forms T129A.
Identifiers: ClinVar variation 4992921 (VCV004992921.1).

ClinVar aggregate classification (germline): Uncertain significance (1 of 4 stars; one submission).

Conditions:
ACTG1-related disorder. Also called: ACTG1-related condition; ACTG1-related disorders.

Submission:

PreventionGenetics, part of Exact Sciences
Classification: Uncertain significance for ACTG1-related condition. Last evaluated: 2025-09-15. Review status: criteria provided, single submitter. Criteria: ACMG Guidelines, 2015. Collection method: clinical testing. Allele origin: germline.
Comment: The ACTG1 c.385A>G variant is predicted to result in the amino acid substitution p.Thr129Ala. To our knowledge, this variant has not been reported in the literature or in a large population database (gnomAD), indicating this variant is rare. At this time, the clinical significance of this variant is uncertain due to the absence of conclusive functional and genetic evidence.